The following is an entry in ClinVar:

ClinVar aggregate classification (germline): Uncertain significance (1 of 4 stars; one submission).

Conditions:
Primary ciliary dyskinesia. Also called: Ciliary dyskinesia. Identifiers: Orphanet 244, MedGen C0008780, MONDO:0016575, HP:0012265.

Submission:

Labcorp Genetics (formerly Invitae), Labcorp
Classification: Uncertain significance for Primary ciliary dyskinesia. Last evaluated: 2021-08-31. Review status: criteria provided, single submitter. Criteria: Invitae Variant Classification Sherloc (09022015). Collection method: clinical testing. Allele origin: germline.
Comment: This variant, c.13424_13456del, results in the deletion of 11 amino acid(s) of the DNAH11 protein (p.Thr4475_Leu4485del), but otherwise preserves the integrity of the reading frame. This variant is not present in population databases (ExAC no frequency). This variant has been observed in individual(s) with clinical features of DNAH11-related conditions (Invitae). Experimental studies and prediction algorithms are not available or were not evaluated, and the functional significance of this variant is currently unknown. In summary, the available evidence is currently insufficient to determine the role of this variant in disease. Therefore, it has been classified as a Variant of Uncertain Significance.

NM_001277115.2(DNAH11):c.13424_13456del (p.Thr4475_Leu4485del)

Genes: CDCA7L (cell division cycle associated 7 like; minus strand), DNAH11 (dynein axonemal heavy chain 11; plus strand). Cytogenetic location: 7p15.3.
Variant type: Deletion.
Coding change: c.13424_13456del on transcript NM_001277115.2 (MANE Select); coding-DNA positions 13424 to 13456, 33 bases deleted.
Protein change: p.Thr4475_Leu4485del.
Molecular consequence: inframe deletion. On other transcripts: 3 prime UTR variant (3).
Genome position (GRCh38, 1-based): chr7:21,901,127-21,901,159, 33 bases deleted; deleting any 33 consecutive bases within chr7:21,901,125-21,901,159 gives the same sequence; the c. name uses the placement nearest the transcript's 3' end. GRCh37 (hg19): chr7:21,940,745-21,940,777.
Other names: c.*1165_*1197del (NM_001127370.3, NM_001127371.3, NM_018719.5).
Identifiers: ClinVar variation 525312 (VCV000525312.6), dbSNP rs1554294443, ClinGen allele CA658796913.
Genomic context (GRCh38, chr7:21,901,124, plus strand): 5'-CATGCCCTATGCCGGTCATCTTTGCAAAAGCCACCCCCGTGGACAGACAAGAAACCAAAC[AGACCTACGAGTGCCCTGTGTATAGAACCAAACT>A]GAGAGGCCCCAGCTACATCTGGACCTTCAGGCTGAAGAGCGAAGAGAAGACTGCAAAATG-3'